The following is an entry in ClinVar:

NM_024580.6(EFL1):c.382C>T (p.Gln128Ter)

Gene: EFL1 (elongation factor like GTPase 1; minus strand). Cytogenetic location: 15q25.2.
Variant type: single nucleotide variant.
Coding change: c.382C>T on transcript NM_024580.6 (MANE Select); coding-DNA position 382, C replaced by T.
Protein change: p.Gln128Ter; replaces glutamine 128 with a stop codon.
Molecular consequence: nonsense. On other transcripts: 5 prime UTR variant (1), non-coding transcript variant (1).
Genome position (GRCh38, 1-based): chr15:82,240,552, G>A on the plus strand (C>T on the coding strand, the complement: EFL1 is on the minus strand). VCF-style: chr15-82240552-G-A. GRCh37 (hg19) VCF-style: chr15-82532893-G-A.
Other names: c.229C>T, p.Gln77Ter (NM_001040610.3); c.-408C>T (NM_001322844.2); c.382C>T, p.Gln128Ter (NM_001322845.2); short protein forms Q128*, Q77*.
Identifiers: ClinVar variation 1967631 (VCV001967631.5), dbSNP rs2074920745, ClinGen allele CA393282142.
Genomic context (GRCh38, chr15:82,240,552, plus strand): 5'-TCTTATTAATCACTAAAACCGGACGGATGTTTTCAAGCCAAGCTTGTCGCAGAACTGCCT[G>A]TGTCTGATAAAAACAGAAAGAAAAATGTAAAACTCATGATTTGAAATAATTAGAGCACAT-3'

ClinVar aggregate classification (germline): Uncertain significance (1 of 4 stars; one submission).

Allele frequency attached by ClinVar (database versions not stated): gnomAD 0.00001.
gnomAD v4.1: 1 of 1,609,464 alleles (0.000062%); highest among the groups gnomAD compares: African/African-American, 0.0013%; no homozygotes.

Submission:

Labcorp Genetics (formerly Invitae), Labcorp
Classification: Uncertain significance. Last evaluated: 2025-07-14. Review status: criteria provided, single submitter. Criteria: Invitae Variant Classification Sherloc (09022015). Collection method: clinical testing. Allele origin: germline.
Comment: This sequence change creates a premature translational stop signal (p.Gln128*) in the EFL1 gene. It is expected to result in an absent or disrupted protein product. However, the current clinical and genetic evidence is not sufficient to establish whether loss-of-function variants in EFL1 cause disease. This variant is not present in population databases (gnomAD no frequency). This variant has not been reported in the literature in individuals affected with EFL1-related conditions. ClinVar contains an entry for this variant (Variation ID: 1967631). In summary, the available evidence is currently insufficient to determine the role of this variant in disease. Therefore, it has been classified as a Variant of Uncertain Significance.